The following is an entry in ClinVar:

NM_003114.5(SPAG1):c.2133A>C (p.Leu711Phe)

Gene: SPAG1 (sperm associated antigen 1; plus strand). Cytogenetic location: 8q22.2.
Variant type: single nucleotide variant.
Coding change: c.2133A>C on transcript NM_003114.5 (MANE Select); coding-DNA position 2133, A replaced by C.
Protein change: p.Leu711Phe; replaces leucine 711 with phenylalanine.
Molecular consequence: missense variant.
Genome position (GRCh38, 1-based): chr8:100,239,257, A>C. VCF-style: chr8-100239257-A-C. GRCh37 (hg19) VCF-style: chr8-101251485-A-C.
Other names: c.2133A>C, p.Leu711Phe (NM_001374321.1, NM_172218.3); short protein forms L711F.
Identifiers: ClinVar variation 2835426 (VCV002835426.2), dbSNP rs373962922, ClinGen allele CA4827681.

ClinVar aggregate classification (germline): Uncertain significance (1 of 4 stars; one submission).

Conditions:
Primary ciliary dyskinesia 28. Also called: CILIARY DYSKINESIA, PRIMARY, 28, WITH OR WITHOUT SITUS INVERSUS. Identifiers: MONDO:0014216, OMIM 615505, Orphanet 244, MedGen C3809706.

Allele frequency attached by ClinVar (database versions not stated): TOPMed 0.00001; gnomAD 0.00002; gnomAD exomes 0.00002; ExAC 0.00003; ESP Exome Variant Server 0.00008.
gnomAD v4.1: 25 of 1,502,838 alleles (0.0017%); highest among the groups gnomAD compares: Non-Finnish European, 0.0017%; no homozygotes.

Submission:

Labcorp Genetics (formerly Invitae), Labcorp
Classification: Uncertain significance for Primary ciliary dyskinesia 28. Last evaluated: 2025-10-08. Review status: criteria provided, single submitter. Criteria: Invitae Variant Classification Sherloc (09022015). Collection method: clinical testing. Allele origin: germline.
Comment: This sequence change replaces leucine, which is neutral and non-polar, with phenylalanine, which is neutral and non-polar, at codon 711 of the SPAG1 protein (p.Leu711Phe). This variant is present in population databases (rs373962922, gnomAD 0.009%). This variant has not been reported in the literature in individuals affected with SPAG1-related conditions. ClinVar contains an entry for this variant (Variation ID: 2835426). Invitae Evidence Modeling of protein sequence and biophysical properties (such as structural, functional, and spatial information, amino acid conservation, physicochemical variation, residue mobility, and thermodynamic stability) indicates that this missense variant is not expected to disrupt SPAG1 protein function with a negative predictive value of 80%. In summary, the available evidence is currently insufficient to determine the role of this variant in disease. Therefore, it has been classified as a Variant of Uncertain Significance.